The following is an entry in ClinVar:

NM_002880.4(RAF1):c.1821G>A (p.Glu607=)

Gene: RAF1 (Raf-1 proto-oncogene, serine/threonine kinase; minus strand). Cytogenetic location: 3p25.2.
Variant type: single nucleotide variant.
Coding change: c.1821G>A on transcript NM_002880.4 (MANE Select); coding-DNA position 1821, G replaced by A.
Protein change: p.Glu607=; no amino-acid change (glutamic acid 607 retained).
Molecular consequence: synonymous variant. On other transcripts: non-coding transcript variant (3).
Genome position (GRCh38, 1-based): chr3:12,584,640, C>T on the plus strand (G>A on the coding strand, the complement: RAF1 is on the minus strand). VCF-style: chr3-12584640-C-T. GRCh37 (hg19) VCF-style: chr3-12626139-C-T.
Other names: c.1881G>A, p.Glu627= (NM_001354689.3); c.1821G>A, p.Glu607= (NM_001354690.3); c.1578G>A, p.Glu526= (NM_001354691.3, NM_001354692.3); c.1722G>A, p.Glu574= (NM_001354693.3); c.1638G>A, p.Glu546= (NM_001354694.3); c.1479G>A, p.Glu493= (NM_001354695.3).
Identifiers: ClinVar variation 699817 (VCV000699817.19), dbSNP rs747437834, ClinGen allele CA2259386.

ClinVar aggregate classification (germline): Benign/Likely benign. Review status: criteria provided, multiple submitters, no conflicts (2 of 4 stars). 6 submissions from 6 submitters: Benign (1); Likely benign (4). 1 of the submissions does not count toward it. Last evaluated 2026-01-15.

Conditions:
RAF1-related disorder. Also called: RAF1-related disorders; RAF1-related condition.
Cardiovascular phenotype. Identifiers: MedGen CN230736.
RASopathy. Also called: rasopathies; Noonan spectrum disorder. Identifiers: Orphanet 536391, MedGen C5555857, MONDO:0021060.

Allele frequency attached by ClinVar (database versions not stated): TOPMed 0.00002; gnomAD 0.00003; gnomAD exomes 0.00004 and 0.00007; ExAC 0.00006.
gnomAD v4.1: 110 of 1,613,968 alleles (0.0068%); highest among the groups gnomAD compares: Admixed American, 0.0083%; no homozygotes.

Submissions (6):

Labcorp Genetics (formerly Invitae), Labcorp
Classification: Likely benign for RASopathy. Last evaluated: 2026-01-15. Review status: criteria provided, single submitter. Criteria: Invitae Variant Classification Sherloc (09022015). Collection method: clinical testing. Allele origin: germline.

Blueprint Genetics
Classification: Likely benign. Last evaluated: 2024-10-17. Review status: criteria provided, single submitter. Criteria: ACMG Guidelines, 2015. Collection method: clinical testing. Allele origin: germline.

Women's Health and Genetics/Laboratory Corporation of America, LabCorp
Classification: Likely benign. Last evaluated: 2023-09-25. Review status: criteria provided, single submitter. Criteria: LabCorp Variant Classification Summary - May 2015. Collection method: clinical testing. Allele origin: germline.

Ambry Genetics
Classification: Likely benign for Cardiovascular phenotype. Last evaluated: 2019-03-21. Review status: criteria provided, single submitter. Criteria: Ambry Variant Classification Scheme 2023. Collection method: clinical testing. Allele origin: germline.

GeneDx
Classification: Benign. Last evaluated: 2015-03-03. Review status: criteria provided, single submitter. Criteria: GeneDx Variant Classification Process June 2021. Collection method: clinical testing. Allele origin: germline. Affected: yes.

PreventionGenetics, part of Exact Sciences
Classification: Likely benign for RAF1-related condition. Last evaluated: 2020-08-17. Review status: no assertion criteria provided. Collection method: clinical testing. Allele origin: germline. Not counted in ClinVar's aggregate classification.
Comment: This variant is classified as likely benign based on ACMG/AMP sequence variant interpretation guidelines (Richards et al. 2015 PMID: 25741868, with internal and published modifications).